The following is an entry in ClinVar:

NM_153332.4(ERI1):c.62C>A (p.Ser21Ter)

Gene: ERI1 (exoribonuclease 1). Cytogenetic location: 8p23.1.
Variant type: single nucleotide variant.
Coding change: c.62C>A on transcript NM_153332.4 (MANE Select); coding-DNA position 62, C replaced by A.
Protein change: p.Ser21Ter; replaces serine 21 with a stop codon.
Molecular consequence: nonsense. On other transcripts: 5 prime UTR variant (2).
Genome position (GRCh38, 1-based): chr8:9,003,125, C>A. VCF-style: chr8-9003125-C-A. GRCh37 (hg19) VCF-style: chr8-8860635-C-A.
Other names: c.-332C>A (NM_001354635.2); c.-622C>A (NM_001354636.2); c.62C>A, p.Ser21Ter (NM_001354638.2); short protein forms S21*.
Identifiers: ClinVar variation 2674629 (VCV002674629.3), dbSNP rs2486175152, ClinGen allele CA370262277.

ClinVar aggregate classification (germline): Likely pathogenic. Review status: criteria provided, single submitter (1 of 4 stars). 2 submissions from 2 submitters: Likely pathogenic (1). 1 of the submissions does not count toward it. Last evaluated 2024-03-03.

Conditions:
Spondyloepimetaphyseal dysplasia, Guo-Campeau type. Also called: Spondyloepimetaphyseal dysplasia, Guo-Salian type. Identifiers: MedGen C5882737, MONDO:0958006, OMIM 620663.

Submissions (2):

SIB Swiss Institute of Bioinformatics
Classification: Likely pathogenic for Spondyloepimetaphyseal dysplasia, Guo-Campeau type. Last evaluated: 2024-03-03. Review status: criteria provided, single submitter. Criteria: ACMG Guidelines, 2015. Collection method: curation. Allele origin: unknown. Affected: yes.
Comment: This variant is interpreted for Spondyloepimetaphyseal dysplasia, Guo-Campeau type, autosomal recessive. The following ACMG Tag(s) were applied: Absent from controls (or at extremely low frequency if recessive) in gnomAD (PM2). Predicted nullvariant in a gene where LOF is a known mechanism of disease (PVS1-strong).

OMIM
Classification: Pathogenic for SPONDYLOEPIMETAPHYSEAL DYSPLASIA, GUO-CAMPEAU TYPE. Last evaluated: 2024-01-04. Review status: no assertion criteria provided. Collection method: literature only. Allele origin: germline. Not counted in ClinVar's aggregate classification.

Literature cited by the submitters: PubMed 37352860 (cited by SIB Swiss Institute of Bioinformatics and OMIM).